The following is an entry in ClinVar:

NM_004287.5(GOSR2):c.340T>C (p.Ser114Pro)

Genes: LRRC37A2 (leucine rich repeat containing 37 member A2), GOSR2 (golgi SNAP receptor complex member 2; plus strand). Cytogenetic location: 17q21.32.
Variant type: single nucleotide variant.
Coding change: c.340T>C on transcript NM_004287.5 (MANE Select); coding-DNA position 340, T replaced by C.
Protein change: p.Ser114Pro; replaces serine 114 with proline.
Molecular consequence: missense variant. On other transcripts: non-coding transcript variant (1), intron variant (4).
Genome position (GRCh38, 1-based): chr17:46,935,032, T>C. VCF-style: chr17-46935032-T-C. GRCh37 (hg19) VCF-style: chr17-45012398-T-C.
Other names: p.Ser114Pro; c.340T>C, p.Ser114Pro (NM_001012511.3, NM_001321133.2, NM_054022.4); c.337T>C, p.Ser113Pro (NM_001353114.2); c.286T>C, p.Ser96Pro (NM_001363851.2); c.282+2833T>C (NM_001321134.2); c.336+2833T>C (NM_001330252.2); c.333+2833T>C (NM_001353115.2, NM_001353116.2); c.340T>C (NM_004287.4); short protein forms S114P, S113P, S96P.
Identifiers: ClinVar variation 938267 (VCV000938267.7), dbSNP rs751635119, ClinGen allele CA8621278.

ClinVar aggregate classification (germline): Uncertain significance. Review status: criteria provided, multiple submitters, no conflicts (2 of 4 stars). 3 submissions from 3 submitters: Uncertain significance (3). Last evaluated 2025-06-03.

Conditions:
Inborn genetic diseases. Identifiers: MedGen C0950123, MeSH D030342.
Progressive myoclonic epilepsy. Also called: Familial progressive myoclonic epilepsy; Myoclonic Epilepsies, Progressive; Myoclonus epilepsy; Progressive myoclonus epilepsy. Identifiers: Orphanet 308, Orphanet 98261, MedGen C0751778, MONDO:0020074.

Allele frequency attached by ClinVar (database versions not stated): gnomAD exomes 0.00004 and 0.00005; TOPMed 0.00004; gnomAD 0.00003; ExAC 0.00008.
gnomAD v4.1: 70 of 1,612,916 alleles (0.0043%); highest among the groups gnomAD compares: Non-Finnish European, 0.0059%; no homozygotes.

Submissions (3):

Ambry Genetics
Classification: Uncertain significance for Inborn genetic diseases. Last evaluated: 2025-06-03. Review status: criteria provided, single submitter. Criteria: Ambry Variant Classification Scheme 2023. Collection method: clinical testing. Allele origin: germline.

Mayo Clinic Laboratories, Mayo Clinic
Classification: Uncertain significance. Last evaluated: 2024-07-11. Review status: criteria provided, single submitter. Criteria: ACMG Guidelines, 2015. Collection method: clinical testing. Allele origin: germline. Observed: 1 variant allele.
Comment: BP4, PM2

Labcorp Genetics (formerly Invitae), Labcorp
Classification: Uncertain significance for Progressive myoclonic epilepsy. Last evaluated: 2022-08-03. Review status: criteria provided, single submitter. Criteria: Invitae Variant Classification Sherloc (09022015). Collection method: clinical testing. Allele origin: germline.
Comment: This sequence change replaces serine, which is neutral and polar, with proline, which is neutral and non-polar, at codon 114 of the GOSR2 protein (p.Ser114Pro). This variant is present in population databases (rs751635119, gnomAD 0.01%). This variant has not been reported in the literature in individuals affected with GOSR2-related conditions. ClinVar contains an entry for this variant (Variation ID: 938267). Algorithms developed to predict the effect of missense changes on protein structure and function are either unavailable or do not agree on the potential impact of this missense change (SIFT: "Deleterious"; PolyPhen-2: "Possibly Damaging"; Align-GVGD: "Class C0"). In summary, the available evidence is currently insufficient to determine the role of this variant in disease. Therefore, it has been classified as a Variant of Uncertain Significance.